The following is an entry in ClinVar:

ClinVar aggregate classification (germline): Benign/Likely benign. Review status: criteria provided, multiple submitters, no conflicts (2 of 4 stars). 14 submissions from 14 submitters: Benign (10); Likely benign (1). 3 of the submissions do not count toward it. Last evaluated 2026-09-01.

Conditions:
Collagen 6-related myopathy. Identifiers: MedGen CN117976, MONDO:0100225.
Bethlem myopathy 1A. Also called: MYOPATHY, BENIGN CONGENITAL, WITH CONTRACTURES; Bethlem myopathy 1; Bethlem Muscular Dystrophy. Identifiers: Orphanet 610, MedGen CN029274, MONDO:0024530, OMIM 158810.

Allele frequency attached by ClinVar (database versions not stated): ESP Exome Variant Server 0.00177; 1000 Genomes Project 0.00359; TOPMed 0.00377; ExAC 0.00747; 1000 Genomes Project 30x 0.00390; gnomAD 0.00534 and 0.00503; gnomAD exomes 0.00590 and 0.00744.
gnomAD v4.1: 9,502 of 1,614,220 alleles (0.59%); highest among the groups gnomAD compares: Middle Eastern, 1.4%; 67 homozygotes.

Submissions (14):

CeGaT Center for Human Genetics Tuebingen
Classification: Benign. Last evaluated: 2026-09-01. Review status: criteria provided, single submitter. Criteria: CeGaT Center For Human Genetics Tuebingen Variant Classification Criteria Version 2. Collection method: clinical testing. Allele origin: germline. Affected: yes. Observed: 31 variant alleles.
Comment: COL6A3: BP4, BS1, BS2

Labcorp Genetics (formerly Invitae), Labcorp
Classification: Benign for Bethlem myopathy 1A. Last evaluated: 2026-02-01. Review status: criteria provided, single submitter. Criteria: Invitae Variant Classification Sherloc (09022015). Collection method: clinical testing. Allele origin: germline.

Genomic Medicine Center of Excellence, King Faisal Specialist Hospital and Research Centre
Classification: Likely benign. Last evaluated: 2025-08-18. Review status: criteria provided, single submitter. Criteria: ACMG Guidelines, 2015. Collection method: clinical testing. Allele origin: germline.

Athena Diagnostics
Classification: Benign. Last evaluated: 2025-04-08. Review status: criteria provided, single submitter. Criteria: Athena Diagnostics Criteria. Collection method: clinical testing. Allele origin: unknown.
Comment: The frequency of this variant in the general population is higher than would generally be expected for pathogenic variants in this gene. Computational tools predict this amino acid change may be benign.

Mayo Clinic Laboratories, Mayo Clinic
Classification: Benign. Last evaluated: 2018-03-09. Review status: criteria provided, single submitter. Criteria: ACMG Guidelines, 2015. Collection method: clinical testing. Allele origin: germline. Observed: 11 variant alleles.

Illumina Laboratory Services, Illumina
Classification: Benign for Collagen VI-related myopathy. Last evaluated: 2018-01-13. Review status: criteria provided, single submitter. Criteria: ICSL Variant Classification Criteria 13 December 2019. Collection method: clinical testing. Allele origin: germline.
Comment: This variant was observed in the ICSL laboratory as part of a predisposition screen in an ostensibly healthy population. It had not been previously curated by ICSL or reported in the Human Gene Mutation Database (HGMD: prior to June 1st, 2018), and was therefore a candidate for classification through an automated scoring system. Utilizing variant allele frequency, disease prevalence and penetrance estimates, and inheritance mode, an automated score was calculated to assess if this variant is too frequent to cause the disease. Based on the score and internal cut-off values, a variant classified as benign is not then subjected to further curation. The score for this variant resulted in a classification of benign for this disease.

GeneDx
Classification: Benign. Last evaluated: 2016-05-11. Review status: criteria provided, single submitter. Criteria: GeneDx Variant Classification (06012015). Collection method: clinical testing. Allele origin: germline. Affected: yes.
Comment: This variant is considered likely benign or benign based on one or more of the following criteria: it is a conservative change, it occurs at a poorly conserved position in the protein, it is predicted to be benign by multiple in silico algorithms, and/or has population frequency not consistent with disease.

Genetic Services Laboratory, University of Chicago
Classification: Benign. Last evaluated: 2016-05-05. Review status: criteria provided, single submitter. Criteria: ACMG Guidelines, 2015. Collection method: clinical testing. Allele origin: germline. Affected: no.

PreventionGenetics, part of Exact Sciences
Classification: Benign. Last evaluated: 2016-02-09. Review status: criteria provided, single submitter. Criteria: ACMG Guidelines, 2015. Collection method: clinical testing. Allele origin: germline.

Eurofins Ntd Llc (ga)
Classification: Benign. Last evaluated: 2012-11-05. Review status: criteria provided, single submitter. Criteria: EGL Classification Definitions 2015. Collection method: clinical testing. Allele origin: germline. Observed: 1 variant allele, 1 heterozygote.

Breakthrough Genomics
Classification: Benign. Review status: criteria provided, single submitter. Criteria: ACMG Guidelines, 2015. Collection method: not provided. Allele origin: germline. Inheritance: Autosomal recessive inheritance. Affected: yes.

Clinical Genetics, Academic Medical Center
Classification: Benign. Review status: no assertion criteria provided. Collection method: clinical testing. Allele origin: germline. Affected: yes. Study: VKGL Data-share Consensus. Not counted in ClinVar's aggregate classification.

Genome Diagnostics Laboratory, University Medical Center Utrecht
Classification: Likely benign. Review status: no assertion criteria provided. Collection method: clinical testing. Allele origin: germline. Affected: yes. Study: VKGL Data-share Consensus. Not counted in ClinVar's aggregate classification.

Laboratory of Diagnostic Genome Analysis, Leiden University Medical Center (LUMC)
Classification: Likely benign. Review status: no assertion criteria provided. Collection method: clinical testing. Allele origin: germline. Affected: yes. Study: VKGL Data-share Consensus. Not counted in ClinVar's aggregate classification.

Literature cited by the submitters: PubMed 15563506 (cited by Athena Diagnostics); PubMed 15689448 (cited by Athena Diagnostics).

NM_004369.4(COL6A3):c.1471G>C (p.Asp491His)

Gene: COL6A3 (collagen type VI alpha 3 chain; minus strand). Cytogenetic location: 2q37.3.
Variant type: single nucleotide variant.
Coding change: c.1471G>C on transcript NM_004369.4 (MANE Select); coding-DNA position 1471, G replaced by C.
Protein change: p.Asp491His; replaces aspartic acid 491 with histidine.
Molecular consequence: missense variant.
Genome position (GRCh38, 1-based): chr2:237,381,341, C>G on the plus strand (G>C on the coding strand, the complement: COL6A3 is on the minus strand). VCF-style: chr2-237381341-C-G. GRCh37 (hg19) VCF-style: chr2-238289984-C-G.
Other names: c.250G>C, p.Asp84His (NM_057164.5, NM_057166.5); c.853G>C, p.Asp285His (NM_057165.5, NM_057167.4); short protein forms D285H, D84H.
Identifiers: ClinVar variation 94907 (VCV000094907.53), dbSNP rs112010940, ClinGen allele CA147913.
Genomic context (GRCh38, chr2:237,381,341, plus strand): 5'-CGGTTATGACTTCCCTTTTTGTTGGATGGGTATTGAAATAAAATTCAGGCCTCACAGTGT[C>G]TGCATACTGGGCCACTGCCACCTGGATAAGATCCTGTCCGATTTCCAGCCTCTGGATGAC-3'
Protein context (NP_004360.2, residues 481-501): LIQVAVAQYA[Asp491His]TVRPEFYFNT